The following is an entry in ClinVar:

NM_001005273.3(CHD3):c.3763T>G (p.Tyr1255Asp)

Gene: CHD3 (chromodomain helicase DNA binding protein 3; plus strand). Cytogenetic location: 17p13.1.
Variant type: single nucleotide variant.
Coding change: c.3763T>G on transcript NM_001005273.3 (MANE Select); coding-DNA position 3763, T replaced by G.
Protein change: p.Tyr1255Asp; replaces tyrosine 1255 with aspartic acid.
Molecular consequence: missense variant.
Genome position (GRCh38, 1-based): chr17:7,903,860, T>G. VCF-style: chr17-7903860-T-G. GRCh37 (hg19) VCF-style: chr17-7807178-T-G.
Other names: c.3940T>G, p.Tyr1314Asp (NM_001005271.3); c.3763T>G, p.Tyr1255Asp (NM_005852.4); short protein forms Y1255D, Y1314D.
Identifiers: ClinVar variation 3365922 (VCV003365922.1).
Genomic context (GRCh38, chr17:7,903,860, plus strand): 5'-TCCCGTTTGTTTTCCCTCTCACCAGGGGAGAACAAGGAGGAGGACAGCAGTGTGATTCAT[T>G]ATGACAATGAGGCCATCGCTCGGCTGTTGGACCGGAACCAGGATGCAACTGAGGACACTG-3'
Protein context (NP_001005273.1, residues 1245-1265): NKEEDSSVIH[Tyr1255Asp]DNEAIARLLD

ClinVar aggregate classification (germline): Uncertain significance (1 of 4 stars; one submission).

Submission:

GeneDx
Classification: Uncertain significance. Last evaluated: 2023-12-20. Review status: criteria provided, single submitter. Criteria: GeneDx Variant Classification Process June 2021. Collection method: clinical testing. Allele origin: germline. Affected: yes.
Comment: Not observed at significant frequency in large population cohorts (gnomAD); In silico analysis supports that this missense variant has a deleterious effect on protein structure/function; Has not been previously published as pathogenic or benign to our knowledge